The following is an entry in ClinVar:

NM_000395.3(CSF2RB):c.1631A>G (p.His544Arg)

Gene: CSF2RB (colony stimulating factor 2 receptor subunit beta; plus strand). Cytogenetic location: 22q12.3.
Variant type: single nucleotide variant.
Coding change: c.1631A>G on transcript NM_000395.3 (MANE Select); coding-DNA position 1631, A replaced by G.
Protein change: p.His544Arg; replaces histidine 544 with arginine.
Molecular consequence: missense variant.
Genome position (GRCh38, 1-based): chr22:36,937,439, A>G. VCF-style: chr22-36937439-A-G. GRCh37 (hg19) VCF-style: chr22-37333481-A-G.
Other names: short protein forms H544R.
Identifiers: ClinVar variation 1353616 (VCV001353616.8), dbSNP rs369896556, ClinGen allele CA10213952.
Genomic context (GRCh38, chr22:36,937,439, plus strand): 5'-TGTTCCCTGTAGGATTCGGGGACAGCGAGGTGTCACCTCTCACCATAGAGGACCCCAAGC[A>G]TGTCTGTGATCCACCATCTGGGCCTGACACGACTCCAGCTGCCTCAGATCTACCCACAGA-3'
Protein context (NP_000386.1, residues 534-554): VSPLTIEDPK[His544Arg]VCDPPSGPDT

ClinVar aggregate classification (germline): Uncertain significance (1 of 4 stars; one submission).

Allele frequency attached by ClinVar (database versions not stated): ExAC 0.00001; gnomAD exomes 0.00002 and 0.00004; TOPMed 0.00003; ESP Exome Variant Server 0.00008.
gnomAD v4.1: 61 of 1,613,898 alleles (0.0038%); highest among the groups gnomAD compares: Non-Finnish European, 0.0049%; no homozygotes.

Submission:

Labcorp Genetics (formerly Invitae), Labcorp
Classification: Uncertain significance. Last evaluated: 2025-10-21. Review status: criteria provided, single submitter. Criteria: Invitae Variant Classification Sherloc (09022015). Collection method: clinical testing. Allele origin: germline.
Comment: This sequence change replaces histidine, which is basic and polar, with arginine, which is basic and polar, at codon 544 of the CSF2RB protein (p.His544Arg). This variant is present in population databases (rs369896556, gnomAD 0.007%). This variant has not been reported in the literature in individuals affected with CSF2RB-related conditions. ClinVar contains an entry for this variant (Variation ID: 1353616). Invitae Evidence Modeling of protein sequence and biophysical properties (such as structural, functional, and spatial information, amino acid conservation, physicochemical variation, residue mobility, and thermodynamic stability) indicates that this missense variant is not expected to disrupt CSF2RB protein function with a negative predictive value of 80%. In summary, the available evidence is currently insufficient to determine the role of this variant in disease. Therefore, it has been classified as a Variant of Uncertain Significance.